The following is an entry in ClinVar:

NM_019616.4(F7):c.1327T>A (p.Phe443Ile)

Gene: F7 (coagulation factor VII; plus strand). Cytogenetic location: 13q34.
Variant type: single nucleotide variant.
Coding change: c.1327T>A on transcript NM_019616.4 (MANE Select); coding-DNA position 1327, T replaced by A.
Protein change: p.Phe443Ile; replaces phenylalanine 443 with isoleucine.
Molecular consequence: missense variant. On other transcripts: non-coding transcript variant (1).
Genome position (GRCh38, 1-based): chr13:113,119,000, T>A. VCF-style: chr13-113119000-T-A. GRCh37 (hg19) VCF-style: chr13-113773314-T-A.
Other names: c.1393T>A, p.Phe465Ile (NM_000131.5); c.1141T>A, p.Phe381Ile (NM_001267554.2); short protein forms F381I, F443I, F465I.
Identifiers: ClinVar variation 4847479 (VCV004847479.1).

ClinVar aggregate classification (germline): Uncertain significance (1 of 4 stars; one submission).

gnomAD v4.1: 8 of 1,599,382 alleles (0.0005%); highest among the groups gnomAD compares: Non-Finnish European, 0.00068%; no homozygotes.

Submission:

Women's Health and Genetics/Laboratory Corporation of America, LabCorp
Classification: Uncertain significance. Last evaluated: 2026-03-04. Review status: criteria provided, single submitter. Criteria: LabCorp Variant Classification Summary - May 2015. Collection method: clinical testing. Allele origin: germline.
Comment: Variant summary: F7 c.1393T>A (p.Phe465Ile) results in a non-conservative amino acid change in the encoded protein sequence. Algorithms developed to predict the effect of missense changes on protein structure and function are either unavailable or do not agree on the potential impact of this missense change. The variant allele was found at a frequency of 4.3e-06 in 235046 control chromosomes (gnomAD). The available data on variant occurrences in the general population are insufficient to allow any conclusion about variant significance. c.1393T>A has been observed in an individual affected with Congenital factor VII deficiency (Quintavalle_2017). This report does not provide unequivocal conclusions about association of the variant with Congenital factor VII deficiency. To our knowledge, no experimental evidence demonstrating an impact on protein function has been reported. The following publication has been ascertained in the context of this evaluation (PMID: 28447100). No submitters have cited clinical-significance assessments for this variant to ClinVar. Based on the evidence outlined above, the variant was classified as uncertain significance.

Literature cited by the submitters: PubMed 28447100.